The following is an entry in ClinVar:

NM_001393769.1(MED12L):c.4999T>C (p.Cys1667Arg)

Gene: MED12L (mediator complex subunit 12L; plus strand). Cytogenetic location: 3q25.1.
Variant type: single nucleotide variant.
Coding change: c.4999T>C on transcript NM_001393769.1 (MANE Select); coding-DNA position 4999, T replaced by C.
Protein change: p.Cys1667Arg; replaces cysteine 1667 with arginine.
Molecular consequence: missense variant.
Genome position (GRCh38, 1-based): chr3:151,385,102, T>C. VCF-style: chr3-151385102-T-C. GRCh37 (hg19) VCF-style: chr3-151102890-T-C.
Other names: c.4894T>C, p.Cys1632Arg (NM_053002.6); short protein forms C1632R, C1667R.
Identifiers: ClinVar variation 4884844 (VCV004884844.1).

ClinVar aggregate classification (germline): Uncertain significance (0 of 4 stars; one submission).

Conditions:
Nizon-Isidor syndrome. Identifiers: MedGen C5394350, MONDO:0030030, OMIM 618872.

gnomAD v4.1: 6 of 1,612,782 alleles (0.00037%); highest among the groups gnomAD compares: South Asian, 0.0055%; no homozygotes.

Submission:

Hong-Tao Li Lab, Institute of Brain Science and Brain-inspired Research, Shandong First Medical University & Shandong Academy of Medical Sciences China
Classification: Uncertain significance for Nizon-Isidor syndrome. Review status: no assertion criteria provided. Collection method: research. Allele origin: germline. Inheritance: Autosomal dominant inheritance. Affected: yes. Observed: 1 variant allele, 1 heterozygote.
Comment: Observed in affected individuals from a Pakistani neurodevelopmental-disorder research cohort of 263 individuals. Classification assigned using the ACMG/AMP framework. Population-frequency evidence: gnomAD AF 4.007e-06.